The following is an entry in ClinVar:

ClinVar aggregate classification (germline): Uncertain significance (1 of 4 stars; one submission).

Allele frequency attached by ClinVar (database versions not stated): TOPMed below 0.00001.

Submission:

Labcorp Genetics (formerly Invitae), Labcorp
Classification: Uncertain significance. Last evaluated: 2022-08-31. Review status: criteria provided, single submitter. Criteria: Invitae Variant Classification Sherloc (09022015). Collection method: clinical testing. Allele origin: germline.
Comment: In summary, the available evidence is currently insufficient to determine the role of this variant in disease. Therefore, it has been classified as a Variant of Uncertain Significance. Algorithms developed to predict the effect of missense changes on protein structure and function are either unavailable or do not agree on the potential impact of this missense change (SIFT: "Deleterious"; PolyPhen-2: "Benign"; Align-GVGD: "Class C0"). This variant has not been reported in the literature in individuals affected with FBXO11-related conditions. This variant is not present in population databases (gnomAD no frequency). This sequence change replaces histidine, which is basic and polar, with arginine, which is basic and polar, at codon 361 of the FBXO11 protein (p.His361Arg).

NM_001190274.2(FBXO11):c.1082A>G (p.His361Arg)

Gene: FBXO11 (F-box protein 11; minus strand). Cytogenetic location: 2p16.3.
Variant type: single nucleotide variant.
Coding change: c.1082A>G on transcript NM_001190274.2 (MANE Select); coding-DNA position 1082, A replaced by G.
Protein change: p.His361Arg; replaces histidine 361 with arginine.
Molecular consequence: missense variant.
Genome position (GRCh38, 1-based): chr2:47,832,840, T>C on the plus strand (A>G on the coding strand, the complement: FBXO11 is on the minus strand). VCF-style: chr2-47832840-T-C. GRCh37 (hg19) VCF-style: chr2-48059979-T-C.
Other names: c.830A>G, p.His277Arg (NM_001374325.1, NM_025133.4); short protein forms H277R, H361R.
Identifiers: ClinVar variation 1718537 (VCV001718537.5), dbSNP rs1166342271, ClinGen allele CA346765899.